The following is an entry in ClinVar:

ClinVar aggregate classification (germline): Uncertain significance (1 of 4 stars; one submission).

Conditions:
Hereditary cancer-predisposing syndrome. Also called: Tumor predisposition; Hereditary neoplastic syndrome; Hereditary Cancer Syndrome; Neoplastic Syndromes, Hereditary. Identifiers: Orphanet 140162, MedGen C0027672, MeSH D009386, MONDO:0015356.

Submission:

Ambry Genetics
Classification: Uncertain significance for Hereditary cancer-predisposing syndrome. Last evaluated: 2025-05-15. Review status: criteria provided, single submitter. Criteria: Ambry Variant Classification Scheme 2023. Collection method: clinical testing. Allele origin: germline.
Comment: The p.T58S variant (also known as c.173C>G), located in coding exon 1 of the SMARCA4 gene, results from a C to G substitution at nucleotide position 173. The threonine at codon 58 is replaced by serine, an amino acid with similar properties. This amino acid position is conserved. In addition, this alteration is predicted to be tolerated by in silico analysis. Based on the available evidence, the clinical significance of this variant remains unclear.

NM_003072.5(SMARCA4):c.173C>G (p.Thr58Ser)

Gene: SMARCA4 (SWI/SNF related BAF chromatin remodeling complex subunit ATPase 4; plus strand). Cytogenetic location: 19p13.2.
Variant type: single nucleotide variant.
Coding change: c.173C>G on transcript NM_003072.5 (MANE Select); coding-DNA position 173, C replaced by G.
Protein change: p.Thr58Ser; replaces threonine 58 with serine.
Molecular consequence: missense variant. On other transcripts: non-coding transcript variant (1).
Genome position (GRCh38, 1-based): chr19:10,984,324, C>G. VCF-style: chr19-10984324-C-G. GRCh37 (hg19) VCF-style: chr19-11095000-C-G.
Other names: c.173C>G, p.Thr58Ser (NM_001128845.2, NM_001128846.2, NM_001128847.4 and 6 more transcripts); short protein forms T58S.
Identifiers: ClinVar variation 3958466 (VCV003958466.1).